The following is an entry in ClinVar:

NM_004560.4(ROR2):c.1745C>T (p.Thr582Met)

Gene: ROR2 (ROR family WNT receptor 2; minus strand). Cytogenetic location: 9q22.31.
Variant type: single nucleotide variant.
Coding change: c.1745C>T on transcript NM_004560.4 (MANE Select); coding-DNA position 1745, C replaced by T.
Protein change: p.Thr582Met; replaces threonine 582 with methionine.
Molecular consequence: missense variant.
Genome position (GRCh38, 1-based): chr9:91,724,749, G>A on the plus strand (C>T on the coding strand, the complement: ROR2 is on the minus strand). VCF-style: chr9-91724749-G-A. GRCh37 (hg19) VCF-style: chr9-94487031-G-A.
Other names: c.1745C>T (NM_004560.3); short protein forms T582M.
Identifiers: ClinVar variation 2060728 (VCV002060728.5), dbSNP rs368499304, ClinGen allele CA5120584.

ClinVar aggregate classification (germline): Uncertain significance. Review status: criteria provided, multiple submitters, no conflicts (2 of 4 stars). 4 submissions from 4 submitters: Uncertain significance (4). Last evaluated 2025-11-18.

Conditions:
Inborn genetic diseases. Identifiers: MedGen C0950123, MeSH D030342.
Brachydactyly type B1 (BDB1). Identifiers: Orphanet 572385, Orphanet 93383, MedGen C1862112, MONDO:0007220, OMIM 113000.
Autosomal recessive Robinow syndrome (RRS1). Also called: ROBINOW SYNDROME, AUTOSOMAL RECESSIVE 1; COSTOVERTEBRAL SEGMENTATION DEFECT WITH MESOMELIA; COVESDEM SYNDROME; ROR2-Related Robinow Syndrome. Identifiers: Orphanet 1507, Orphanet 97360, MedGen C5399974, MONDO:0009999, OMIM 268310.

Allele frequency attached by ClinVar (database versions not stated): TOPMed 0.00006; ExAC 0.00007; ESP Exome Variant Server 0.00008; gnomAD 0.00009.

Submissions (4):

Labcorp Genetics (formerly Invitae), Labcorp
Classification: Uncertain significance. Last evaluated: 2025-11-18. Review status: criteria provided, single submitter. Criteria: Invitae Variant Classification Sherloc (09022015). Collection method: clinical testing. Allele origin: germline.
Comment: This sequence change replaces threonine, which is neutral and polar, with methionine, which is neutral and non-polar, at codon 582 of the ROR2 protein (p.Thr582Met). This variant is present in population databases (rs368499304, gnomAD 0.04%). This variant has not been reported in the literature in individuals affected with ROR2-related conditions. ClinVar contains an entry for this variant (Variation ID: 2060728). Invitae Evidence Modeling of protein sequence and biophysical properties (such as structural, functional, and spatial information, amino acid conservation, physicochemical variation, residue mobility, and thermodynamic stability) indicates that this missense variant is not expected to disrupt ROR2 protein function with a negative predictive value of 80%. In summary, the available evidence is currently insufficient to determine the role of this variant in disease. Therefore, it has been classified as a Variant of Uncertain Significance.

Blueprint Genetics
Classification: Uncertain significance. Last evaluated: 2024-10-24. Review status: criteria provided, single submitter. Criteria: ACMG Guidelines, 2015. Collection method: clinical testing. Allele origin: germline.

Ambry Genetics
Classification: Uncertain significance for Inborn genetic diseases. Last evaluated: 2024-03-18. Review status: criteria provided, single submitter. Criteria: Ambry Variant Classification Scheme 2023. Collection method: clinical testing. Allele origin: germline.

Fulgent Genetics
Classification: Uncertain significance for Brachydactyly type B1; Autosomal recessive Robinow syndrome. Last evaluated: 2024-01-29. Review status: criteria provided, single submitter. Criteria: ACMG Guidelines, 2015. Collection method: clinical testing. Allele origin: germline.